The following is an entry in ClinVar:

ClinVar aggregate classification (germline): Likely benign (1 of 4 stars; one submission).

Allele frequency attached by ClinVar (database versions not stated): TOPMed below 0.00001; ExAC 0.00002.
gnomAD v4.1: 20 of 1,595,842 alleles (0.0013%); highest among the groups gnomAD compares: Non-Finnish European, 0.0017%; no homozygotes.

Submission:

CeGaT Center for Human Genetics Tuebingen
Classification: Likely benign. Last evaluated: 2023-06-01. Review status: criteria provided, single submitter. Criteria: CeGaT Center For Human Genetics Tuebingen Variant Classification Criteria Version 2. Collection method: clinical testing. Allele origin: germline. Affected: yes. Observed: 1 variant allele.
Comment: RELN: BP4

NM_005045.4(RELN):c.1526T>G (p.Leu509Arg)

Gene: RELN (reelin; minus strand). Cytogenetic location: 7q22.1.
Variant type: single nucleotide variant.
Coding change: c.1526T>G on transcript NM_005045.4 (MANE Select); coding-DNA position 1526, T replaced by G.
Protein change: p.Leu509Arg; replaces leucine 509 with arginine.
Molecular consequence: missense variant.
Genome position (GRCh38, 1-based): chr7:103,654,121, A>C on the plus strand (T>G on the coding strand, the complement: RELN is on the minus strand). VCF-style: chr7-103654121-A-C. GRCh37 (hg19) VCF-style: chr7-103294568-A-C.
Other names: c.1526T>G, p.Leu509Arg (NM_173054.3); short protein forms L509R.
Identifiers: ClinVar variation 2571292 (VCV002571292.27), dbSNP rs770231110, ClinGen allele CA4422245.